The following is an entry in ClinVar:

ClinVar aggregate classification (germline): Conflicting classifications of pathogenicity. Review status: criteria provided, conflicting classifications (1 of 4 stars). 3 submissions from 3 submitters: Uncertain significance (1); Likely benign (2). Last evaluated 2025-12-19.

Conditions:
Autosomal recessive nonsyndromic hearing loss 3. Also called: NEUROSENSORY NONSYNDROMIC RECESSIVE DEAFNESS 3. Identifiers: Orphanet 90636, MedGen C1838263, MONDO:0010860, OMIM 600316.
MYO15A-related disorder. Also called: MYO15A-related condition.

Allele frequency attached by ClinVar (database versions not stated): ESP Exome Variant Server 0.00008; ExAC 0.00010; gnomAD exomes 0.00010 and 0.00018; gnomAD 0.00015; TOPMed 0.00025.
gnomAD v4.1: 295 of 1,614,032 alleles (0.018%); highest among the groups gnomAD compares: Admixed American, 0.025%; no homozygotes.

Submissions (3):

Labcorp Genetics (formerly Invitae), Labcorp
Classification: Likely benign. Last evaluated: 2025-12-19. Review status: criteria provided, single submitter. Criteria: Invitae Variant Classification Sherloc (09022015). Collection method: clinical testing. Allele origin: germline.

PreventionGenetics, part of Exact Sciences
Classification: Likely benign for MYO15A-related condition. Last evaluated: 2025-03-21. Review status: criteria provided, single submitter. Criteria: ACMG Guidelines, 2015. Collection method: clinical testing. Allele origin: germline.
Comment: This variant is classified as likely benign based on ACMG/AMP sequence variant interpretation guidelines (Richards et al. 2015 PMID: 25741868, with internal and published modifications).

Illumina Laboratory Services, Illumina
Classification: Uncertain significance for Autosomal recessive nonsyndromic hearing loss 3. Last evaluated: 2018-01-12. Review status: criteria provided, single submitter. Criteria: ICSL Variant Classification Criteria 13 December 2019. Collection method: clinical testing. Allele origin: germline.

NM_016239.4(MYO15A):c.9072G>A (p.Gln3024=)

Gene: MYO15A (myosin XVA; plus strand). Cytogenetic location: 17p11.2.
Variant type: single nucleotide variant.
Coding change: c.9072G>A on transcript NM_016239.4 (MANE Select); coding-DNA position 9072, G replaced by A.
Protein change: p.Gln3024=; no amino-acid change (glutamine 3024 retained).
Molecular consequence: synonymous variant.
Genome position (GRCh38, 1-based): chr17:18,158,627, G>A. VCF-style: chr17-18158627-G-A. GRCh37 (hg19) VCF-style: chr17-18061941-G-A.
Identifiers: ClinVar variation 889326 (VCV000889326.9), dbSNP rs371857911, ClinGen allele CA8425354.